The following is an entry in ClinVar:

ClinVar aggregate classification (germline): Likely pathogenic (1 of 4 stars; one submission).

Conditions:
Spinocerebellar ataxia, autosomal recessive 33 (SCAR33). Identifiers: MedGen C5774297, MONDO:0859360, OMIM 620208.

Submission:

Institute of Human Genetics Munich, TUM University Hospital
Classification: Likely pathogenic for Spinocerebellar ataxia, autosomal recessive 33. Last evaluated: 2026-01-15. Review status: criteria provided, single submitter. Criteria: Classification criteria August 2017. Collection method: clinical testing. Allele origin: paternal. Inheritance: Autosomal recessive inheritance. Affected: yes. Observed: 1 variant allele.

NR_029422.2(RNU12):n.80T>C

Gene: RNU12 (RNA, U12 small nuclear; plus strand). Cytogenetic location: 22q13.2.
Variant type: single nucleotide variant.
Molecular consequence: non-coding transcript variant (on NR_029422.2).
Genome position: GRCh38 VCF-style: chr22-42615323-T-C. GRCh37 (hg19) VCF-style: chr22-43011329-T-C.
Identifiers: ClinVar variation 4884739 (VCV004884739.1).
Genomic context (GRCh38, chr22:42,615,323, plus strand): 5'-AAGGAAAATAACGATTCGGGGTGACGCCCGAATCCTCACTGCTAATGTGAGACGAATTTT[T>C]GAGCGGGTAAAGGTCGCCCTCAAGGTGACCCGCCTACTTTGCGGGATGCCTGGGAGTTGC-3'